The following is an entry in ClinVar:

NM_003072.5(SMARCA4):c.4210G>A (p.Val1404Ile)

Gene: SMARCA4 (SWI/SNF related BAF chromatin remodeling complex subunit ATPase 4; plus strand). Cytogenetic location: 19p13.2.
Variant type: single nucleotide variant.
Coding change: c.4210G>A on transcript NM_003072.5 (MANE Select); coding-DNA position 4210, G replaced by A.
Protein change: p.Val1404Ile; replaces valine 1404 with isoleucine.
Molecular consequence: missense variant. On other transcripts: non-coding transcript variant (1).
Genome position (GRCh38, 1-based): chr19:11,041,346, G>A. VCF-style: chr19-11041346-G-A. GRCh37 (hg19) VCF-style: chr19-11152022-G-A.
Other names: c.4210G>A, p.Val1404Ile (NM_001128844.3); c.4120G>A, p.Val1374Ile (NM_001128845.2, NM_001128846.2); c.4111G>A, p.Val1371Ile (NM_001128847.4, NM_001128848.2, NM_001374457.1); c.4306G>A, p.Val1436Ile (NM_001128849.3, NM_001387283.1); c.4306G>A (NM_001128849.1); short protein forms V1374I, V1436I, V1404I, V1371I.
Identifiers: ClinVar variation 1432997 (VCV001432997.11), dbSNP rs1555788108, ClinGen allele CA404072900.

ClinVar aggregate classification (germline): Conflicting classifications of pathogenicity. Review status: criteria provided, conflicting classifications (1 of 4 stars). 3 submissions from 3 submitters: Uncertain significance (2); Likely benign (1). Last evaluated 2025-08-29.

Conditions:
Hereditary cancer-predisposing syndrome. Also called: Hereditary Cancer Syndrome; Hereditary neoplastic syndrome; Neoplastic Syndromes, Hereditary; Tumor predisposition. Identifiers: Orphanet 140162, MedGen C0027672, MeSH D009386, MONDO:0015356.
Intellectual disability, autosomal dominant 16 (CSS4). Also called: COFFIN-SIRIS SYNDROME 4. Identifiers: Orphanet 1465, MedGen C3553249, MONDO:0013821, OMIM 614609.
Rhabdoid tumor predisposition syndrome 2 (RTPS2). Identifiers: Orphanet 231108, Orphanet 69077, MedGen C2750074, MONDO:0013224, OMIM 613325.

Allele frequency attached by ClinVar (database versions not stated): gnomAD 0.00001.

Submissions (3):

Labcorp Genetics (formerly Invitae), Labcorp
Classification: Uncertain significance for Rhabdoid tumor predisposition syndrome 2. Last evaluated: 2025-08-29. Review status: criteria provided, single submitter. Criteria: Invitae Variant Classification Sherloc (09022015). Collection method: clinical testing. Allele origin: germline.
Comment: This sequence change replaces valine, which is neutral and non-polar, with isoleucine, which is neutral and non-polar, at codon 1436 of the SMARCA4 protein (p.Val1436Ile). This variant is not present in population databases (gnomAD no frequency). This variant has not been reported in the literature in individuals affected with SMARCA4-related conditions. ClinVar contains an entry for this variant (Variation ID: 1432997). Invitae Evidence Modeling of protein sequence and biophysical properties (such as structural, functional, and spatial information, amino acid conservation, physicochemical variation, residue mobility, and thermodynamic stability) indicates that this missense variant is not expected to disrupt SMARCA4 protein function with a negative predictive value of 95%. In summary, the available evidence is currently insufficient to determine the role of this variant in disease. Therefore, it has been classified as a Variant of Uncertain Significance.

Ambry Genetics
Classification: Likely benign for Hereditary cancer-predisposing syndrome. Last evaluated: 2024-10-31. Review status: criteria provided, single submitter. Criteria: Ambry Variant Classification Scheme 2023. Collection method: clinical testing. Allele origin: germline.

Fulgent Genetics
Classification: Uncertain significance for Rhabdoid tumor predisposition syndrome 2; Intellectual disability, autosomal dominant 16. Last evaluated: 2022-05-23. Review status: criteria provided, single submitter. Criteria: ACMG Guidelines, 2015. Collection method: clinical testing. Allele origin: unknown.